The following is an entry in ClinVar:

ClinVar aggregate classification (germline): Uncertain significance (1 of 4 stars; one submission).

Submission:

Ambry Genetics
Classification: Uncertain significance. Last evaluated: 2024-07-23. Review status: criteria provided, single submitter. Criteria: Ambry Variant Classification Scheme 2023. Collection method: clinical testing. Allele origin: germline.
Comment: The p.E342K variant (also known as c.1024G>A), located in coding exon 3 of the TERF2IP gene, results from a G to A substitution at nucleotide position 1024. The glutamic acid at codon 342 is replaced by lysine, an amino acid with similar properties. This amino acid position is conserved. In addition, the in silico prediction for this alteration is inconclusive. Since supporting evidence is limited at this time, the clinical significance of this alteration remains unclear.

NM_018975.4(TERF2IP):c.1024G>A (p.Glu342Lys)

Gene: TERF2IP (TERF2 interacting protein; plus strand). Cytogenetic location: 16q23.1.
Variant type: single nucleotide variant.
Coding change: c.1024G>A on transcript NM_018975.4 (MANE Select); coding-DNA position 1024, G replaced by A.
Protein change: p.Glu342Lys; replaces glutamic acid 342 with lysine.
Molecular consequence: missense variant. On other transcripts: non-coding transcript variant (1).
Genome position (GRCh38, 1-based): chr16:75,656,435, G>A. VCF-style: chr16-75656435-G-A. GRCh37 (hg19) VCF-style: chr16-75690333-G-A.
Other names: short protein forms E342K.
Identifiers: ClinVar variation 1769109 (VCV001769109.3), dbSNP rs2507089647, ClinGen allele CA396820105.
Genomic context (GRCh38, chr16:75,656,435, plus strand): 5'-ATGGAGAAGTTTAACTTGGATCTATCAACAGTTACACAGGCCTTCCTAAAAAATAGTGGT[G>A]AGCTGGAGGCTACTTCCGCCTTCTTAGCGTCTGGTCAGAGAGCTGATGGATATCCCATTT-3'
Protein context (NP_061848.2, residues 332-352): VTQAFLKNSG[Glu342Lys]LEATSAFLAS